The following is an entry in ClinVar:

ClinVar aggregate classification (germline): Uncertain significance (1 of 4 stars; one submission).

Conditions:
Xanthinuria type II. Also called: Xanthine dehydrogenase and aldehyde oxidase combined deficiency of; XDH and AOX dual deficiency. Identifiers: Orphanet 3467, Orphanet 93602, MedGen C1863688, MONDO:0011346, OMIM 603592.

Submission:

Labcorp Genetics (formerly Invitae), Labcorp
Classification: Uncertain significance for Xanthinuria type 2. Last evaluated: 2019-08-22. Review status: criteria provided, single submitter. Criteria: Invitae Variant Classification Sherloc (09022015). Collection method: clinical testing. Allele origin: germline.
Comment: This variant results in a copy number gain of the genomic region encompassing exons 1-5 of the XDH gene. The 5' end of this event is unknown as it extends beyond the assayed region for this gene and therefore may encompass additional genes. The 3' boundary is likely confined to intron 15 of the XDH gene, which includes the initiator codon. As the precise location of this event is unknown, it may be in tandem or it may be located elsewhere in the genome. This variant has not been reported in the literature in individuals with XDH-related conditions. Experimental studies and prediction algorithms are not available for this variant, and the functional significance of the affected amino acid(s) is currently unknown. In summary, the available evidence is currently insufficient to determine the role of this variant in disease. Therefore, it has been classified as a Variant of Uncertain Significance.

NC_000002.12:g.(?_31375360)_(31414686_?)dup

Gene: XDH (xanthine dehydrogenase; minus strand). Cytogenetic location: 2p23.1.
Variant type: Duplication.
Identifiers: ClinVar variation 831254 (VCV000831254.2).